The following is an entry in ClinVar:

NM_017866.6(TMEM70):c.415C>T (p.Pro139Ser)

Gene: TMEM70 (transmembrane protein 70; plus strand). Cytogenetic location: 8q21.11.
Variant type: single nucleotide variant.
Coding change: c.415C>T on transcript NM_017866.6 (MANE Select); coding-DNA position 415, C replaced by T.
Protein change: p.Pro139Ser; replaces proline 139 with serine.
Molecular consequence: missense variant. On other transcripts: 3 prime UTR variant (1), non-coding transcript variant (1).
Genome position (GRCh38, 1-based): chr8:73,981,253, C>T. VCF-style: chr8-73981253-C-T. GRCh37 (hg19) VCF-style: chr8-74893488-C-T.
Other names: c.*105C>T (NM_001040613.3); short protein forms P139S.
Identifiers: ClinVar variation 2108210 (VCV002108210.4), dbSNP rs2536395804, ClinGen allele CA371489940.
Genomic context (GRCh38, chr8:73,981,253, plus strand): 5'-CTTACATTTCTGCCATACATTTTTACACAAAATAATGCTATTTCTGAAAGTGTGCCTCTG[C>T]CTATTCAAATCATATTCTATGGCATCATGGGAAGCTTTACGGTGATCACCCCAGTGCTGC-3'
Protein context (NP_060336.3, residues 129-149): NNAISESVPL[Pro139Ser]IQIIFYGIMG

ClinVar aggregate classification (germline): Uncertain significance (1 of 4 stars; one submission).

Conditions:
Mitochondrial complex V (ATP synthase) deficiency, nuclear type 2. Also called: MITOCHONDRIAL COMPLEX V (ATP SYNTHASE) DEFICIENCY, TMEM70 TYPE; ENCEPHALOCARDIOMYOPATHY, MITOCHONDRIAL, NEONATAL, DUE TO ATP SYNTHASE DEFICIENCY; Nuclear-Encoded ATPase Deficiency, TMEM70-Related. Identifiers: Orphanet 1194, MedGen C3279699, MONDO:0013546, OMIM 614052.

Submission:

Labcorp Genetics (formerly Invitae), Labcorp
Classification: Uncertain significance for Mitochondrial complex V (ATP synthase) deficiency, nuclear type 2. Last evaluated: 2022-05-20. Review status: criteria provided, single submitter. Criteria: Invitae Variant Classification Sherloc (09022015). Collection method: clinical testing. Allele origin: germline.
Comment: This sequence change replaces proline, which is neutral and non-polar, with serine, which is neutral and polar, at codon 139 of the TMEM70 protein (p.Pro139Ser). In summary, the available evidence is currently insufficient to determine the role of this variant in disease. Therefore, it has been classified as a Variant of Uncertain Significance. Algorithms developed to predict the effect of missense changes on protein structure and function output the following: SIFT: "Tolerated"; PolyPhen-2: "Possibly Damaging"; Align-GVGD: "Class C0". The serine amino acid residue is found in multiple mammalian species, which suggests that this missense change does not adversely affect protein function. This variant has not been reported in the literature in individuals affected with TMEM70-related conditions. This variant is not present in population databases (gnomAD no frequency).